The following is an entry in ClinVar:

ClinVar aggregate classification (germline): Uncertain significance. Review status: criteria provided, multiple submitters, no conflicts (2 of 4 stars). 2 submissions from 2 submitters: Uncertain significance (2). Last evaluated 2025-12-08.

Conditions:
Inborn genetic diseases. Identifiers: MedGen C0950123, MeSH D030342.
Singleton-Merten syndrome 2 (SGMRT2). Identifiers: Orphanet 85191, MedGen C4225380, MONDO:0014575, OMIM 616298.

Allele frequency attached by ClinVar (database versions not stated): TOPMed 0.00002; gnomAD 0.00003; gnomAD exomes 0.00003 and 0.00005; ExAC 0.00006; ESP Exome Variant Server 0.00008.
gnomAD v4.1: 52 of 1,609,762 alleles (0.0032%); highest among the groups gnomAD compares: Non-Finnish European, 0.0044%; no homozygotes.

Submissions (2):

Ambry Genetics
Classification: Uncertain significance for Inborn genetic diseases. Last evaluated: 2025-12-08. Review status: criteria provided, single submitter. Criteria: Ambry Variant Classification Scheme 2023. Collection method: clinical testing. Allele origin: germline.

Labcorp Genetics (formerly Invitae), Labcorp
Classification: Uncertain significance. Last evaluated: 2025-07-09. Review status: criteria provided, single submitter. Criteria: Invitae Variant Classification Sherloc (09022015). Collection method: clinical testing. Allele origin: germline.
Comment: This sequence change replaces leucine, which is neutral and non-polar, with valine, which is neutral and non-polar, at codon 100 of the DDX58 protein (p.Leu100Val). This variant is present in population databases (rs150011037, gnomAD 0.01%). This variant has not been reported in the literature in individuals affected with DDX58-related conditions. ClinVar contains an entry for this variant (Variation ID: 1424855). An algorithm developed to predict the effect of missense changes on protein structure and function (PolyPhen-2) suggests that this variant is likely to be disruptive. In summary, the available evidence is currently insufficient to determine the role of this variant in disease. Therefore, it has been classified as a Variant of Uncertain Significance.

NM_014314.4(RIGI):c.298T>G (p.Leu100Val)

Gene: RIGI (RNA sensor RIG-I; minus strand). Cytogenetic location: 9p21.1.
Variant type: single nucleotide variant.
Coding change: c.298T>G on transcript NM_014314.4 (MANE Select); coding-DNA position 298, T replaced by G.
Protein change: p.Leu100Val; replaces leucine 100 with valine.
Molecular consequence: missense variant. On other transcripts: 5 prime UTR variant (3).
Genome position (GRCh38, 1-based): chr9:32,493,886, A>C on the plus strand (T>G on the coding strand, the complement: RIGI is on the minus strand). VCF-style: chr9-32493886-A-C. GRCh37 (hg19) VCF-style: chr9-32493884-A-C.
Other names: c.298T>G, p.Leu100Val (NM_001385907.1, NM_001385909.1, NM_001385913.1); c.-157T>G (NM_001385910.1, NM_001385914.1); c.-164T>G (NM_001385912.1); c.298T>G (NM_014314.3); short protein forms L100V.
Identifiers: ClinVar variation 1424855 (VCV001424855.8), dbSNP rs150011037, ClinGen allele CA5020120.